The following is an entry in ClinVar:

ClinVar aggregate classification (germline): Uncertain significance (1 of 4 stars; one submission).

Allele frequency attached by ClinVar (database versions not stated): gnomAD 0.00001; gnomAD exomes 0.00001.

Submission:

Labcorp Genetics (formerly Invitae), Labcorp
Classification: Uncertain significance. Last evaluated: 2022-04-10. Review status: criteria provided, single submitter. Criteria: Invitae Variant Classification Sherloc (09022015). Collection method: clinical testing. Allele origin: germline.
Comment: In summary, the available evidence is currently insufficient to determine the role of this variant in disease. Therefore, it has been classified as a Variant of Uncertain Significance. Advanced modeling of protein sequence and biophysical properties (such as structural, functional, and spatial information, amino acid conservation, physicochemical variation, residue mobility, and thermodynamic stability) performed at Invitae indicates that this missense variant is expected to disrupt ACO2 protein function. This variant has not been reported in the literature in individuals affected with ACO2-related conditions. This variant is not present in population databases (gnomAD no frequency). This sequence change replaces leucine, which is neutral and non-polar, with phenylalanine, which is neutral and non-polar, at codon 187 of the ACO2 protein (p.Leu187Phe).

NM_001098.3(ACO2):c.559C>T (p.Leu187Phe)

Gene: ACO2 (aconitase 2; plus strand). Cytogenetic location: 22q13.2.
Variant type: single nucleotide variant.
Coding change: c.559C>T on transcript NM_001098.3 (MANE Select); coding-DNA position 559, C replaced by T.
Protein change: p.Leu187Phe; replaces leucine 187 with phenylalanine.
Molecular consequence: missense variant.
Genome position (GRCh38, 1-based): chr22:41,515,410, C>T. VCF-style: chr22-41515410-C-T. GRCh37 (hg19) VCF-style: chr22-41911414-C-T.
Other names: short protein forms L187F.
Identifiers: ClinVar variation 1939156 (VCV001939156.5), dbSNP rs2066468351, ClinGen allele CA411717748.